The following is an entry in ClinVar:

NM_033004.4(NLRP1):c.1175C>G (p.Pro392Arg)

Gene: NLRP1 (NLR family pyrin domain containing 1; minus strand). Cytogenetic location: 17p13.2.
Variant type: single nucleotide variant.
Coding change: c.1175C>G on transcript NM_033004.4 (MANE Select); coding-DNA position 1175, C replaced by G.
Protein change: p.Pro392Arg; replaces proline 392 with arginine.
Molecular consequence: missense variant.
Genome position (GRCh38, 1-based): chr17:5,559,521, G>C on the plus strand (C>G on the coding strand, the complement: NLRP1 is on the minus strand). VCF-style: chr17-5559521-G-C. GRCh37 (hg19) VCF-style: chr17-5462841-G-C.
Other names: c.1175C>G, p.Pro392Arg (NM_001033053.3, NM_014922.5, NM_033006.4 and 1 more transcripts); c.1175C>G (NM_033004.3); short protein forms P392R.
Identifiers: ClinVar variation 1398449 (VCV001398449.9), dbSNP rs200691997, ClinGen allele CA8327410.
Genomic context (GRCh38, chr17:5,559,521, plus strand): 5'-ACACCATCGAGGATGAAGAGCAGCCGCTCTGGCCTAGACAGGATCTGTCTAATGGGAGCC[G>C]GAGTGGCTGTCCCATCTTTTCCGATGAGCTCAGCGAGACTCACCACCTTGGACTGGGCCA-3'
Protein context (NP_127497.1, residues 382-402): ELIGKDGTAT[Pro392Arg]APIRQILSRP

ClinVar aggregate classification (germline): Uncertain significance. Review status: criteria provided, multiple submitters, no conflicts (2 of 4 stars). 2 submissions from 2 submitters: Uncertain significance (2). Last evaluated 2025-08-23.

Conditions:
Inborn genetic diseases. Identifiers: MedGen C0950123, MeSH D030342.

Allele frequency attached by ClinVar (database versions not stated): ESP Exome Variant Server 0.00015.
gnomAD v4.1: 66 of 1,614,000 alleles (0.0041%); highest among the groups gnomAD compares: Non-Finnish European, 0.0056%; no homozygotes.

Submissions (2):

Labcorp Genetics (formerly Invitae), Labcorp
Classification: Uncertain significance. Last evaluated: 2025-08-23. Review status: criteria provided, single submitter. Criteria: Invitae Variant Classification Sherloc (09022015). Collection method: clinical testing. Allele origin: germline.
Comment: This sequence change replaces proline, which is neutral and non-polar, with arginine, which is basic and polar, at codon 392 of the NLRP1 protein (p.Pro392Arg). This variant is present in population databases (rs200691997, gnomAD 0.006%). This variant has not been reported in the literature in individuals affected with NLRP1-related conditions. ClinVar contains an entry for this variant (Variation ID: 1398449). An algorithm developed to predict the effect of missense changes on protein structure and function (PolyPhen-2) suggests that this variant is likely to be tolerated. In summary, the available evidence is currently insufficient to determine the role of this variant in disease. Therefore, it has been classified as a Variant of Uncertain Significance.

Ambry Genetics
Classification: Uncertain significance for Inborn genetic diseases. Last evaluated: 2022-11-08. Review status: criteria provided, single submitter. Criteria: Ambry Variant Classification Scheme 2023. Collection method: clinical testing. Allele origin: germline.